The following is an entry in ClinVar:

NM_000360.4(TH):c.1296C>T (p.Phe432=)

Gene: TH (tyrosine hydroxylase; minus strand). Cytogenetic location: 11p15.5.
Variant type: single nucleotide variant.
Coding change: c.1296C>T on transcript NM_000360.4 (MANE Select); coding-DNA position 1296, C replaced by T.
Protein change: p.Phe432=; no amino-acid change (phenylalanine 432 retained).
Molecular consequence: synonymous variant.
Genome position (GRCh38, 1-based): chr11:2,165,270, G>A on the plus strand (C>T on the coding strand, the complement: TH is on the minus strand). VCF-style: chr11-2165270-G-A. GRCh37 (hg19) VCF-style: chr11-2186500-G-A.
Other names: c.1389C>T, p.Phe463= (NM_199292.3); c.1377C>T, p.Phe459= (NM_199293.3).
Identifiers: ClinVar variation 1111452 (VCV001111452.32), dbSNP rs760210103, ClinGen allele CA5818308.

ClinVar aggregate classification (germline): Likely benign. Review status: criteria provided, multiple submitters, no conflicts (2 of 4 stars). 3 submissions from 3 submitters: Likely benign (3). Last evaluated 2025-06-03.

Conditions:
TH-deficient dopa-responsive dystonia. Also called: DYT-TH; Segawa syndrome, autosomal recessive; Tyrosine Hydroxylase-Deficient Dopa-Responsive Dystonia. Identifiers: Orphanet 101150, MedGen C2673535, MONDO:0011551, OMIM 605407.

Allele frequency attached by ClinVar (database versions not stated): gnomAD exomes 0.00003 and 0.00002; gnomAD 0.00004 and 0.00003; TOPMed 0.00005; ExAC 0.00003.
gnomAD v4.1: 42 of 1,612,898 alleles (0.0026%); highest among the groups gnomAD compares: African/African-American, 0.004%; no homozygotes.

Submissions (3):

Labcorp Genetics (formerly Invitae), Labcorp
Classification: Likely benign for TH-deficient dopa-responsive dystonia. Last evaluated: 2025-06-03. Review status: criteria provided, single submitter. Criteria: Invitae Variant Classification Sherloc (09022015). Collection method: clinical testing. Allele origin: germline.

CeGaT Center for Human Genetics Tuebingen
Classification: Likely benign. Last evaluated: 2024-01-01. Review status: criteria provided, single submitter. Criteria: CeGaT Center For Human Genetics Tuebingen Variant Classification Criteria Version 2. Collection method: clinical testing. Allele origin: germline. Affected: yes. Observed: 1 variant allele.
Comment: TH: BP4, BP7

Blueprint Genetics
Classification: Likely benign. Last evaluated: 2023-12-28. Review status: criteria provided, single submitter. Criteria: ACMG Guidelines, 2015. Collection method: clinical testing. Allele origin: germline.